The following is an entry in ClinVar:

ClinVar aggregate classification (germline): Uncertain significance. Review status: criteria provided, multiple submitters, no conflicts (2 of 4 stars). 3 submissions from 3 submitters: Uncertain significance (3). Last evaluated 2024-05-21.

Conditions:
Isolated cryptophthalmia. Also called: Cryptophthalmos, unilateral or bilateral, isolated; ANKYLOBLEPHARON, SIMPLE. Identifiers: Orphanet 91396, MedGen C1852453, MONDO:0007410, OMIM 123570.
Fraser syndrome 2 (FRASRS2). Identifiers: MedGen C4540036, MONDO:0054738, OMIM 617666.
Inborn genetic diseases. Identifiers: MedGen C0950123, MeSH D030342.

Allele frequency attached by ClinVar (database versions not stated): ExAC 0.00002; gnomAD exomes 0.00003; TOPMed 0.00004; gnomAD 0.00005; 1000 Genomes Project 30x 0.00016; 1000 Genomes Project 0.00020.
gnomAD v4.1: 56 of 1,614,178 alleles (0.0035%); highest among the groups gnomAD compares: Non-Finnish European, 0.0047%; no homozygotes.

Submissions (3):

Fulgent Genetics
Classification: Uncertain significance for Isolated cryptophthalmia; Fraser syndrome 2. Last evaluated: 2024-05-21. Review status: criteria provided, single submitter. Criteria: ACMG Guidelines, 2015. Collection method: clinical testing. Allele origin: germline.

Ambry Genetics
Classification: Uncertain significance for Inborn genetic diseases. Last evaluated: 2022-10-06. Review status: criteria provided, single submitter. Criteria: Ambry Variant Classification Scheme 2023. Collection method: clinical testing. Allele origin: germline.

GeneDx
Classification: Uncertain significance. Last evaluated: 2016-12-19. Review status: criteria provided, single submitter. Criteria: GeneDx Variant Classification (06012015). Collection method: clinical testing. Allele origin: germline. Affected: yes.
Comment: The F866I variant in the FREM2 gene has not been reported previously as a pathogenic variant, nor as a benign variant, to our knowledge. This variant was not observed in approximately 6500 individuals of European and African American ancestry in the NHLBI Exome Sequencing Project, indicating it is not a common benign variant in these populations. The F866I variant is a conservative amino acid substitution, which is not likely to impact secondary protein structure as these residues share similar properties. However, this substitution occurs at a position that is conserved across species, and in silico analysis predicts this variant is probably damaging to the protein structure/function. We interpret F866I as a variant of uncertain significance.

NM_207361.6(FREM2):c.2596T>A (p.Phe866Ile)

Gene: FREM2 (FRAS1 related extracellular matrix 2; plus strand). Cytogenetic location: 13q13.3.
Variant type: single nucleotide variant.
Coding change: c.2596T>A on transcript NM_207361.6 (MANE Select); coding-DNA position 2596, T replaced by A.
Protein change: p.Phe866Ile; replaces phenylalanine 866 with isoleucine.
Molecular consequence: missense variant.
Genome position (GRCh38, 1-based): chr13:38,689,940, T>A. VCF-style: chr13-38689940-T-A. GRCh37 (hg19) VCF-style: chr13-39264077-T-A.
Other names: short protein forms F866I.
Identifiers: ClinVar variation 391483 (VCV000391483.4), dbSNP rs566743573, ClinGen allele CA6954637.